The following is an entry in ClinVar:

NM_001048174.2(MUTYH):c.1217C>T (p.Thr406Met)

Gene: MUTYH (mutY DNA glycosylase; minus strand). Cytogenetic location: 1p34.1.
Variant type: single nucleotide variant.
Coding change: c.1217C>T on transcript NM_001048174.2 (MANE Select); coding-DNA position 1217, C replaced by T.
Protein change: p.Thr406Met; replaces threonine 406 with methionine.
Molecular consequence: missense variant. On other transcripts: non-coding transcript variant (2).
Genome position (GRCh38, 1-based): chr1:45,331,442, G>A on the plus strand (C>T on the coding strand, the complement: MUTYH is on the minus strand). VCF-style: chr1-45331442-G-A. GRCh37 (hg19) VCF-style: chr1-45797114-G-A.
Other names: p.T434M:ACG>ATG; c.1217C>T, p.Thr406Met (NM_001048171.2, NM_001048173.2, NM_001293195.2); c.1220C>T, p.Thr407Met (NM_001048172.2); c.1301C>T, p.Thr434Met (NM_001128425.2); c.1262C>T, p.Thr421Met (NM_001293190.2); c.1250C>T, p.Thr417Met (NM_001293191.2); c.941C>T, p.Thr314Met (NM_001293192.2, NM_001293196.2); c.872C>T, p.Thr291Met (NM_001350650.2, NM_001350651.2); and 1 more; short protein forms T434M, T420M, T291M, T314M, T406M, T407M, T417M, T421M.
Identifiers: ClinVar variation 127837 (VCV000127837.44), dbSNP rs587780084, ClinGen allele CA012538.

ClinVar aggregate classification (germline): Conflicting classifications of pathogenicity. Review status: criteria provided, conflicting classifications (1 of 4 stars). 12 submissions from 12 submitters: Uncertain significance (9); Likely benign (2). 1 of the submissions does not count toward it. Last evaluated 2026-07-24.

Conditions:
MUTYH-related disorder. Also called: MUTYH-related disorders; MUTYH-related condition.
Familial adenomatous polyposis 2. Also called: COLORECTAL ADENOMATOUS POLYPOSIS, AUTOSOMAL RECESSIVE; ADENOMAS, MULTIPLE COLORECTAL, AUTOSOMAL RECESSIVE; MUTYH Polyposis; MYH-associated polyposis; FAP type 2; Adenomas, multiple colorectal. Identifiers: Orphanet 220460, Orphanet 247798, MedGen C3272841, MONDO:0012041, OMIM 608456.
Gastric cancer. Also called: Malignant tumor of stomach; Stomach cancer. Identifiers: MedGen C0024623, MeSH D013274, MONDO:0001056, OMIM 613659, HP:0012126.
Hereditary cancer-predisposing syndrome. Also called: Neoplastic Syndromes, Hereditary; Tumor predisposition; Hereditary Cancer Syndrome; Hereditary neoplastic syndrome. Identifiers: Orphanet 140162, MedGen C0027672, MeSH D009386, MONDO:0015356.

Allele frequency attached by ClinVar (database versions not stated): gnomAD 0.00001; ExAC 0.00003; TOPMed 0.00003.
gnomAD v4.1: 53 of 1,614,132 alleles (0.0033%); highest among the groups gnomAD compares: Admixed American, 0.015%; no homozygotes.

Submissions (12):

PreventionGenetics, part of Exact Sciences
Classification: Uncertain significance for MUTYH-related condition. Last evaluated: 2026-07-24. Review status: criteria provided, single submitter. Criteria: ACMG Guidelines, 2015. Collection method: clinical testing. Allele origin: germline.
Comment: The MUTYH c.1301C>T variant is predicted to result in the amino acid substitution p.Thr434Met. This variant is also known as c.1259C>T (p.Thr420Met) on the primary clinically relevant transcript (NM_001048171.1). This variant has been reported in an individuals with colorectal cancer, breast cancer, and suspected Lynch syndrome (Yurgelun et al. 2017. PubMed ID: 28135145; Breast Cancer Association Consortium et al. 2021. PubMed ID: 33471991; Yurgelun et al. 2015. PubMed ID: 25980754). However, it has also been described in unaffected individuals (Breast Cancer Association Consortium et al. 2021. PubMed ID: 33471991). This variant is reported in 0.0080% of alleles in individuals of African descent in gnomAD and is interpreted as a variant of uncertain significance in ClinVar (Variation ID: 127837). At this time, the clinical significance of this variant is uncertain due to the absence of conclusive functional and genetic evidence.

Color Diagnostics, LLC DBA Color Health
Classification: Likely benign for Hereditary cancer-predisposing syndrome. Last evaluated: 2025-11-06. Review status: criteria provided, single submitter. Criteria: ACMG Guidelines, 2015. Collection method: clinical testing. Allele origin: germline.

Ambry Genetics
Classification: Likely benign for Hereditary cancer-predisposing syndrome. Last evaluated: 2025-09-03. Review status: criteria provided, single submitter. Criteria: Ambry Variant Classification Scheme 2023. Collection method: clinical testing. Allele origin: germline.

GeneDx
Classification: Uncertain significance. Last evaluated: 2025-02-25. Review status: criteria provided, single submitter. Criteria: GeneDx Variant Classification Process June 2021. Collection method: clinical testing. Allele origin: germline. Affected: yes.
Comment: In silico analysis indicates that this missense variant does not alter protein structure/function; Not observed at significant frequency in large population cohorts (gnomAD); Also known as c.1259C>T, p.(Thr420Met); This variant is associated with the following publications: (PMID: 25980754, 28135145, 24728327, 23108399, 36243179)

All of Us Research Program, National Institutes of Health
Classification: Uncertain significance for Familial adenomatous polyposis 2. Last evaluated: 2024-09-23. Review status: criteria provided, single submitter. Criteria: ACMG Guidelines, 2015. Collection method: clinical testing. Allele origin: germline. Inheritance: Autosomal recessive inheritance. Observed: 11 variant alleles, 11 heterozygotes.
Comment: This missense variant replaces threonine with methionine at codon 434 of the MUTYH protein. This variant is also known as c.1259C>T (p.Thr420Met) based on the NM_001048171.1 transcript. Computational prediction suggests that this variant may not impact protein structure and function (internally defined REVEL score threshold <= 0.5, PMID: 27666373). To our knowledge, functional studies have not been reported for this variant. This variant has been reported in an individual suspected of having Lynch syndrome (PMID: 25980754) and in an individual affected with colorectal cancer (PMID: 28135145). This variant has also been identified in 11/282736 chromosomes in the general population by the Genome Aggregation Database (gnomAD). The available evidence is insufficient to determine the role of this variant in disease conclusively. Therefore, this variant is classified as a Variant of Uncertain Significance.

This study involves interpretation of variants in research participants for the purpose of population health screening. Participant phenotype was not available at the time of variant classification. Additional details can be found in publication PMID: 35346344, PMCID: PMC8962531

Women's Health and Genetics/Laboratory Corporation of America, LabCorp
Classification: Uncertain significance. Last evaluated: 2024-07-01. Review status: criteria provided, single submitter. Criteria: LabCorp Variant Classification Summary - May 2015. Collection method: clinical testing. Allele origin: germline.
Comment: Variant summary: MUTYH c.1301C>T (p.Thr434Met) results in a non-conservative amino acid change located in the NUDIX hydrolase domain (IPR000086) of the encoded protein sequence. Four of five in-silico tools predict a benign effect of the variant on protein function. The variant allele was found at a frequency of 4.3e-05 in 326508 control chromosomes (gnomAD and Okawa_2023). This frequency is not significantly higher than estimated for a pathogenic variant in MUTYH causing MUTYH-Associated Polyposis (4.3e-05 vs 0.0046), allowing no conclusion about variant significance. c.1301C>T (aka c.1259C>T (p.Thr420Met)) has been reported in the literature in the heterozygous state in an individual affected with suspected Lynch syndrome and/or polyps (Yurgelun_2015), and in a patient with colorectal cancer (Yurgelun_2017). The variant was also reported in a large study evaluating breast cancer cases and controls in the Breast Cancer Association Consortium (BCAC), in 9/60466 cases, and in 5/53461 controls (Dorling_2021 through LOVD). These reports do not provide unequivocal conclusions about association of the variant with MUTYH-Associated Polyposis. To our knowledge, no experimental evidence demonstrating an impact on protein function has been reported. The following publications have been ascertained in the context of this evaluation (PMID: 33471991, 36243179, 25980754, 28135145). ClinVar contains an entry for this variant (Variation ID: 127837). Based on the evidence outlined above, the variant was classified as uncertain significance.

Fulgent Genetics
Classification: Uncertain significance for Familial adenomatous polyposis 2; Gastric cancer. Last evaluated: 2024-02-02. Review status: criteria provided, single submitter. Criteria: ACMG Guidelines, 2015. Collection method: clinical testing. Allele origin: germline.

Labcorp Genetics (formerly Invitae), Labcorp
Classification: Uncertain significance for Familial adenomatous polyposis 2. Last evaluated: 2024-01-26. Review status: criteria provided, single submitter. Criteria: Invitae Variant Classification Sherloc (09022015). Collection method: clinical testing. Allele origin: germline.
Comment: This sequence change replaces threonine, which is neutral and polar, with methionine, which is neutral and non-polar, at codon 434 of the MUTYH protein (p.Thr434Met). This variant is present in population databases (rs587780084, gnomAD 0.008%). This missense change has been observed in individual(s) with clinical features of Lynch syndrome and/or colorectal cancer (PMID: 25980754, 28135145). This variant is also known as c.1259C>T (p.Thr420Met). ClinVar contains an entry for this variant (Variation ID: 127837). Algorithms developed to predict the effect of missense changes on protein structure and function output the following: SIFT: "Not Available"; PolyPhen-2: "Benign"; Align-GVGD: "Not Available". The methionine amino acid residue is found in multiple mammalian species, which suggests that this missense change does not adversely affect protein function. In summary, the available evidence is currently insufficient to determine the role of this variant in disease. Therefore, it has been classified as a Variant of Uncertain Significance.

Quest Diagnostics Nichols Institute San Juan Capistrano
Classification: Uncertain significance. Last evaluated: 2024-01-15. Review status: criteria provided, single submitter. Criteria: Quest Diagnostics criteria. Collection method: clinical testing. Allele origin: unknown.
Comment: The MUTYH c.1301C>T (p.Thr434Met) variant has been reported in the published literature in individuals with colorectal cancer (PMID: 28135145 (2017)), a Lynch syndrome associated cancer (PMID: 25980754 (2015)), and breast cancer (PMID: 33471991 (2021), see also LOVD). This variant has also been identified in reportedly healthy individuals (PMID: 32658311 (2021), 33471991 (2021), see also LOVD). The frequency of this variant in the general population, 0.000046 (6/129092 chromosomes (Genome Aggregation Database)), is uninformative in the assessment of its pathogenicity. Analysis of this variant using bioinformatics tools for the prediction of the effect of amino acid changes on protein structure and function yielded predictions that this variant is benign. Based on the available information, we are unable to determine the clinical significance of this variant.

Institute for Clinical Genetics, University Hospital TU Dresden, University Hospital TU Dresden
Classification: Uncertain significance. Last evaluated: 2021-11-03. Review status: criteria provided, single submitter. Criteria: ACMG Guidelines, 2015. Collection method: clinical testing. Allele origin: germline.

Genetic Services Laboratory, University of Chicago
Classification: Uncertain significance. Last evaluated: 2020-07-30. Review status: criteria provided, single submitter. Criteria: ACMG Guidelines, 2015. Collection method: clinical testing. Allele origin: germline. Affected: no.
Comment: DNA sequence analysis of the MUTYH gene demonstrated a sequence change, c.1301C>T, in exon 13 that results in an amino acid change, p.Thr434Met. This sequence change has been described in the gnomAD database with a low overall population frequency of 0.004% (dbSNP rs587780084). Also known as c.1259C>T in the literature, this sequence change has been reported in an individual with colorectal cancer (PMID:28135145) and an individual with suspected Lynch syndrome (PMID: 25980754). The p.Thr434Met change affects a poorly conserved amino acid residue located in a domain of the MUTYH protein that is known to be functional. The p.Thr434Met substitution appears to be benign using several in-silico pathogenicity prediction tools (SIFT, PolyPhen2, Align GVGD, REVEL). Due to these contrasting evidences and the lack of functional studies, the clinical significance of the p.Thr434Met change remains unknown at this time.

Counsyl
Classification: Uncertain significance for Familial adenomatous polyposis 2. Last evaluated: 2016-03-03. Review status: no assertion criteria provided. Collection method: clinical testing. Allele origin: unknown. Not counted in ClinVar's aggregate classification.

Literature cited by the submitters: PubMed 25980754 (cited by 6 submitters); PubMed 28944238 (cited by Ambry Genetics and Quest Diagnostics Nichols Institute San Juan Capistrano); PubMed 33471991 (cited by 3 submitters); PubMed 40738107 (cited by Ambry Genetics); PubMed 28135145 (cited by 4 submitters); PubMed 36243179 (cited by Women's Health and Genetics/Laboratory Corporation of America, LabCorp); PubMed 32658311 (cited by Quest Diagnostics Nichols Institute San Juan Capistrano); PubMed 24728327 (cited by Counsyl).